The following is an entry in ClinVar:

ClinVar aggregate classification (germline): Uncertain significance (1 of 4 stars; one submission).

Allele frequency attached by ClinVar (database versions not stated): gnomAD 0.00001.

Submission:

Labcorp Genetics (formerly Invitae), Labcorp
Classification: Uncertain significance. Last evaluated: 2023-08-07. Review status: criteria provided, single submitter. Criteria: Invitae Variant Classification Sherloc (09022015). Collection method: clinical testing. Allele origin: germline.
Comment: In summary, the available evidence is currently insufficient to determine the role of this variant in disease. Therefore, it has been classified as a Variant of Uncertain Significance. Algorithms developed to predict the effect of missense changes on protein structure and function output the following: SIFT: "Not Available"; PolyPhen-2: "Benign"; Align-GVGD: "Not Available". The serine amino acid residue is found in multiple mammalian species, which suggests that this missense change does not adversely affect protein function. This missense change has been observed in individual(s) with clinical features of acute hepatic porphyria (PMID: 30385147). This variant is present in population databases (rs777132237, gnomAD 0.02%). This sequence change replaces glycine, which is neutral and non-polar, with serine, which is neutral and polar, at codon 65 of the CPOX protein (p.Gly65Ser).

Literature cited by the submitters: PubMed 30385147.

NM_000097.7(CPOX):c.193G>A (p.Gly65Ser)

Genes: CPOX (coproporphyrinogen oxidase; minus strand), LOC129937121 (ATAC-STARR-seq lymphoblastoid silent region 14560; plus strand). Cytogenetic location: 3q11.2.
Variant type: single nucleotide variant.
Coding change: c.193G>A on transcript NM_000097.7 (MANE Select); coding-DNA position 193, G replaced by A.
Protein change: p.Gly65Ser; replaces glycine 65 with serine.
Molecular consequence: missense variant.
Genome position (GRCh38, 1-based): chr3:98,593,312, C>T on the plus strand (G>A on the coding strand, the complement: CPOX is on the minus strand). VCF-style: chr3-98593312-C-T. GRCh37 (hg19) VCF-style: chr3-98312156-C-T.
Other names: short protein forms G65S.
Identifiers: ClinVar variation 2883352 (VCV002883352.3), dbSNP rs777132237, ClinGen allele CA2511755.